The following is an entry in ClinVar:

NM_007294.4(BRCA1):c.134+9G>C

Gene: BRCA1 (BRCA1 DNA repair associated; minus strand). Cytogenetic location: 17q21.31.
Variant type: single nucleotide variant.
Coding change: c.134+9G>C on transcript NM_007294.4 (MANE Select); 9 bases into the intron after coding-DNA position 134, G replaced by C.
Molecular consequence: intron variant.
Genome position (GRCh38, 1-based): chr17:43,115,717, C>G on the plus strand (G>C on the coding strand, the complement: BRCA1 is on the minus strand). VCF-style: chr17-43115717-C-G. GRCh37 (hg19) VCF-style: chr17-41267734-C-G.
Other names: c.134+9G>C (NM_001407614.1, NM_001407587.1, NM_001408494.1 and 191 more transcripts); c.-171+9G>C (NM_001408492.1, NM_001407889.1, NM_001407900.1); c.-124+9G>C (NM_001408468.1, NM_001407842.1, NM_001407749.1 and 13 more transcripts); c.-128+9G>C (NM_001407695.1, NM_001408465.1); c.-8+9G>C (NM_001407846.1, NM_001408503.1, NM_001407943.1 and 47 more transcripts); c.-8+5841G>C (NM_001407726.1, NM_001407751.1); c.-55+9G>C (NM_001408513.1, NM_001407899.1, NM_001408507.1 and 52 more transcripts); c.-219+9554G>C (NM_001407966.1); and 10 more.
Identifiers: ClinVar variation 491032 (VCV000491032.9), dbSNP rs1555599187, ClinGen allele CA658684097.

ClinVar aggregate classification (germline): Likely benign. Review status: criteria provided, multiple submitters, no conflicts (2 of 4 stars). 2 submissions from 2 submitters: Likely benign (2). Last evaluated 2024-03-27.

Conditions:
Hereditary breast ovarian cancer syndrome. Also called: Breast and ovarian cancer; Hereditary breast and/or ovarian cancer syndrome; BRCA1- and BRCA2-Associated Hereditary Breast and Ovarian Cancer; Hereditary breast and ovarian cancer syndrome; Hereditary breast and ovarian cancer syndrome (HBOC); Hereditary breast and ovarian cancer. Identifiers: Orphanet 145, MedGen C0677776, MeSH D061325, MONDO:0003582. Disease mechanism: loss of function.
Hereditary cancer-predisposing syndrome. Also called: Tumor predisposition; Hereditary Cancer Syndrome; Hereditary neoplastic syndrome; Neoplastic Syndromes, Hereditary. Identifiers: Orphanet 140162, MedGen C0027672, MeSH D009386, MONDO:0015356.

Allele frequency attached by ClinVar (database versions not stated): gnomAD exomes below 0.00001.
gnomAD v4.1: 1 of 1,612,636 alleles (0.000062%); highest among the groups gnomAD compares: Non-Finnish European, 0.000085%; no homozygotes.

Submissions (3):

Labcorp Genetics (formerly Invitae), Labcorp
Classification: Likely benign for Hereditary breast ovarian cancer syndrome. Last evaluated: 2024-03-27. Review status: criteria provided, single submitter. Criteria: Invitae Variant Classification Sherloc (09022015). Collection method: clinical testing. Allele origin: germline.

Color Diagnostics, LLC DBA Color Health
Classification: Likely benign for Hereditary cancer-predisposing syndrome. Last evaluated: 2017-08-10. Review status: criteria provided, single submitter. Criteria: ACMG Guidelines, 2015. Collection method: clinical testing. Allele origin: germline.

Brotman Baty Institute, University of Washington
No classification provided (evidence only). Condition: Breast-ovarian cancer, familial 1. Review status: no classification provided. Collection method: in vitro. Allele origin: not applicable. Functional consequence: functionally_normal. Not counted in ClinVar's aggregate classification.
ClinVar note: "not provided" was previously submitted as the classification for the variant. However, the classification appeared to be based only on an observation of functional data so it was converted to no classification on 2025-07-30.